The following is an entry in ClinVar:

NM_001042492.3(NF1):c.1682G>A (p.Trp561Ter)

Gene: NF1 (neurofibromin 1; plus strand). Cytogenetic location: 17q11.2.
Variant type: single nucleotide variant.
Coding change: c.1682G>A on transcript NM_001042492.3 (MANE Select); coding-DNA position 1682, G replaced by A.
Protein change: p.Trp561Ter; replaces tryptophan 561 with a stop codon.
Molecular consequence: nonsense.
Genome position (GRCh38, 1-based): chr17:31,221,890, G>A. VCF-style: chr17-31221890-G-A. GRCh37 (hg19) VCF-style: chr17-29548908-G-A.
Other names: c.1682G>A, p.Trp561Ter (NM_001128147.3, NM_000267.4); short protein forms W561*.
Identifiers: ClinVar variation 1075405 (VCV001075405.8), dbSNP rs2144004331, ClinGen allele CA399002295.
Genomic context (GRCh38, chr17:31,221,890, plus strand): 5'-CTCTTTTTTAAAAAATTCAGGCTCTGCTGGTTCTTCATCAGTTAGATAGCATTGATTTGT[G>A]GAATCCTGATGCTCCTGTAGAAACATTTTGGGAGATTAGGTATATGTACTTTTATTTTTT-3'

ClinVar aggregate classification (germline): Pathogenic. Review status: criteria provided, multiple submitters, no conflicts (2 of 4 stars). 4 submissions from 4 submitters: Pathogenic (3). 1 of the submissions does not count toward it. Last evaluated 2025-07-25.

Conditions:
Malignant tumor of urinary bladder. Also called: Bladder cancer; Urinary bladder cancer; Urinary Bladder Neoplasms. Identifiers: MedGen C0005684, MONDO:0001187, OMIM 109800.
Hereditary cancer-predisposing syndrome. Also called: Neoplastic Syndromes, Hereditary; Hereditary neoplastic syndrome; Tumor predisposition; Hereditary Cancer Syndrome. Identifiers: Orphanet 140162, MedGen C0027672, MeSH D009386, MONDO:0015356.
Cardiovascular phenotype. Identifiers: MedGen CN230736.
Neurofibromatosis, type 1 (NF1). Also called: VON RECKLINGHAUSEN DISEASE; Peripheral type neurofibromatosis; NEUROFIBROMATOSIS, TYPE I, SOMATIC; Neurofibromatosis, type I. Identifiers: Orphanet 636, MedGen C0027831, MONDO:0018975, OMIM 162200. Disease mechanism: loss of function.

Submissions (4):

Ambry Genetics
Classification: Pathogenic for Cardiovascular phenotype; Hereditary cancer-predisposing syndrome. Last evaluated: 2025-07-25. Review status: criteria provided, single submitter. Criteria: Ambry Variant Classification Scheme 2023. Collection method: clinical testing. Allele origin: germline.
Comment: The p.W561* pathogenic mutation (also known as c.1682G>A), located in coding exon 15 of the NF1 gene, results from a G to A substitution at nucleotide position 1682. This changes the amino acid from a tryptophan to a stop codon within coding exon 15. This variant was reported in individual(s) with features consistent with neurofibromatosis type 1 (NF1) (Cal&igrave; F et al. Eur J Med Genet, 2017 Feb;60:93-99). This variant is considered to be rare based on population cohorts in the Genome Aggregation Database (gnomAD). This alteration is expected to result in loss of function by premature protein truncation or nonsense-mediated mRNA decay. As such, this alteration is interpreted as a disease-causing mutation.

GeneDx
Classification: Pathogenic. Last evaluated: 2024-04-19. Review status: criteria provided, single submitter. Criteria: GeneDx Variant Classification Process June 2021. Collection method: clinical testing. Allele origin: germline. Affected: yes.
Comment: Nonsense variant predicted to result in protein truncation or nonsense mediated decay in a gene for which loss of function is a known mechanism of disease; Not observed at significant frequency in large population cohorts (gnomAD); This variant is associated with the following publications: (PMID: 27838393, Bakir2023)

Labcorp Genetics (formerly Invitae), Labcorp
Classification: Pathogenic for Neurofibromatosis, type 1. Last evaluated: 2023-08-28. Review status: criteria provided, single submitter. Criteria: Invitae Variant Classification Sherloc (09022015). Collection method: clinical testing. Allele origin: germline.
Comment: This sequence change creates a premature translational stop signal (p.Trp561*) in the NF1 gene. It is expected to result in an absent or disrupted protein product. Loss-of-function variants in NF1 are known to be pathogenic (PMID: 10712197, 23913538). This variant is not present in population databases (gnomAD no frequency). This premature translational stop signal has been observed in individual(s) with neurofibromatosis type 1 (PMID: 27838393). ClinVar contains an entry for this variant (Variation ID: 1075405). Algorithms developed to predict the effect of sequence changes on RNA splicing suggest that this variant may disrupt the consensus splice site. For these reasons, this variant has been classified as Pathogenic.

Laboratory of Urology, Hospital Clinic de Barcelona
Classification: Pathogenic for Malignant tumor of urinary bladder. Review status: no assertion criteria provided. Collection method: research. Allele origin: somatic. Affected: yes. Not counted in ClinVar's aggregate classification.

Literature cited by the submitters: PubMed 27838393 (cited by Ambry Genetics and Labcorp Genetics (formerly Invitae), Labcorp); PubMed 10712197 (cited by Labcorp Genetics (formerly Invitae), Labcorp); PubMed 23913538 (cited by Labcorp Genetics (formerly Invitae), Labcorp).